The following is an entry in ClinVar:

ClinVar aggregate classification (germline): Uncertain significance. Review status: criteria provided, multiple submitters, no conflicts (2 of 4 stars). 2 submissions from 2 submitters: Uncertain significance (2). Last evaluated 2026-01-12.

Conditions:
Hereditary breast ovarian cancer syndrome. Also called: Hereditary breast and ovarian cancer; Breast and ovarian cancer; Hereditary breast and/or ovarian cancer syndrome; Hereditary breast and ovarian cancer syndrome; Hereditary breast and ovarian cancer syndrome (HBOC); BRCA1- and BRCA2-Associated Hereditary Breast and Ovarian Cancer. Identifiers: Orphanet 145, MedGen C0677776, MeSH D061325, MONDO:0003582. Disease mechanism: loss of function.
Hereditary cancer-predisposing syndrome. Also called: Tumor predisposition; Hereditary neoplastic syndrome; Neoplastic Syndromes, Hereditary; Hereditary Cancer Syndrome. Identifiers: Orphanet 140162, MedGen C0027672, MeSH D009386, MONDO:0015356.

Submissions (2):

Labcorp Genetics (formerly Invitae), Labcorp
Classification: Uncertain significance for Hereditary breast ovarian cancer syndrome. Last evaluated: 2026-01-12. Review status: criteria provided, single submitter. Criteria: Invitae Variant Classification Sherloc (09022015). Collection method: clinical testing. Allele origin: germline.
Comment: This sequence change replaces asparagine, which is neutral and polar, with histidine, which is basic and polar, at codon 2436 of the BRCA2 protein (p.Asn2436His). This variant is not present in population databases (gnomAD no frequency). This variant has not been reported in the literature in individuals affected with BRCA2-related conditions. ClinVar contains an entry for this variant (Variation ID: 861652). Invitae Evidence Modeling of protein sequence and biophysical properties (such as structural, functional, and spatial information, amino acid conservation, physicochemical variation, residue mobility, and thermodynamic stability) indicates that this missense variant is not expected to disrupt BRCA2 protein function with a negative predictive value of 95%. In summary, the available evidence is currently insufficient to determine the role of this variant in disease. Therefore, it has been classified as a Variant of Uncertain Significance.

Ambry Genetics
Classification: Uncertain significance for Hereditary cancer-predisposing syndrome. Last evaluated: 2022-06-27. Review status: criteria provided, single submitter. Criteria: Ambry Variant Classification Scheme 2023. Collection method: clinical testing. Allele origin: germline.
Comment: The p.N2436H variant (also known as c.7306A>C), located in coding exon 13 of the BRCA2 gene, results from an A to C substitution at nucleotide position 7306. The asparagine at codon 2436 is replaced by histidine, an amino acid with similar properties. This amino acid position is conserved. In addition, this alteration is predicted to be tolerated by in silico analysis. Since supporting evidence is limited at this time, the clinical significance of this alteration remains unclear.

NM_000059.4(BRCA2):c.7306A>C (p.Asn2436His)

Gene: BRCA2 (BRCA2 DNA repair associated; plus strand). Cytogenetic location: 13q13.1.
Variant type: single nucleotide variant.
Coding change: c.7306A>C on transcript NM_000059.4 (MANE Select); coding-DNA position 7306, A replaced by C.
Protein change: p.Asn2436His; replaces asparagine 2436 with histidine.
Molecular consequence: missense variant.
Genome position (GRCh38, 1-based): chr13:32,355,159, A>C. VCF-style: chr13-32355159-A-C. GRCh37 (hg19) VCF-style: chr13-32929296-A-C.
Other names: short protein forms N2436H.
Identifiers: ClinVar variation 861652 (VCV000861652.12), dbSNP rs2072682224, ClinGen allele CA387740977.